The following is an entry in ClinVar:

ClinVar aggregate classification (germline): Uncertain significance (1 of 4 stars; one submission).

Submission:

Labcorp Genetics (formerly Invitae), Labcorp
Classification: Uncertain significance. Last evaluated: 2022-02-04. Review status: criteria provided, single submitter. Criteria: Invitae Variant Classification Sherloc (09022015). Collection method: clinical testing. Allele origin: germline.
Comment: This sequence change replaces tyrosine, which is neutral and polar, with histidine, which is basic and polar, at codon 108 of the C8orf37 protein (p.Tyr108His). In summary, the available evidence is currently insufficient to determine the role of this variant in disease. Therefore, it has been classified as a Variant of Uncertain Significance. Algorithms developed to predict the effect of missense changes on protein structure and function (SIFT, PolyPhen-2, Align-GVGD) all suggest that this variant is likely to be disruptive. This variant has not been reported in the literature in individuals affected with C8orf37-related conditions. This variant is not present in population databases (gnomAD no frequency).

NM_177965.4(CFAP418):c.322T>C (p.Tyr108His)

Gene: CFAP418 (cilia and flagella associated protein 418; minus strand). Cytogenetic location: 8q22.1.
Variant type: single nucleotide variant.
Coding change: c.322T>C on transcript NM_177965.4 (MANE Select); coding-DNA position 322, T replaced by C.
Protein change: p.Tyr108His; replaces tyrosine 108 with histidine.
Molecular consequence: missense variant.
Genome position (GRCh38, 1-based): chr8:95,259,892, A>G on the plus strand (T>C on the coding strand, the complement: CFAP418 is on the minus strand). VCF-style: chr8-95259892-A-G. GRCh37 (hg19) VCF-style: chr8-96272120-A-G.
Other names: c.322T>C, p.Tyr108His (NM_001363260.1); short protein forms Y108H.
Identifiers: ClinVar variation 2092818 (VCV002092818.4), dbSNP rs2537145851, ClinGen allele CA371838771.